The following is an entry in ClinVar:

ClinVar aggregate classification (germline): Uncertain significance (1 of 4 stars; one submission).

Submission:

GeneDx
Classification: Uncertain significance. Last evaluated: 2024-12-18. Review status: criteria provided, single submitter. Criteria: GeneDx Variant Classification Process June 2021. Collection method: clinical testing. Allele origin: germline. Affected: yes.
Comment: Not observed at significant frequency in large population cohorts (gnomAD); In silico analysis supports that this missense variant has a deleterious effect on protein structure/function; Has not been previously published as pathogenic or benign to our knowledge

NM_001377.3(DYNC2H1):c.11221G>A (p.Ala3741Thr)

Gene: DYNC2H1 (dynein cytoplasmic 2 heavy chain 1; plus strand). Cytogenetic location: 11q22.3.
Variant type: single nucleotide variant.
Coding change: c.11221G>A on transcript NM_001377.3 (MANE Select); coding-DNA position 11221, G replaced by A.
Protein change: p.Ala3741Thr; replaces alanine 3741 with threonine.
Molecular consequence: missense variant.
Genome position (GRCh38, 1-based): chr11:103,303,218, G>A. VCF-style: chr11-103303218-G-A. GRCh37 (hg19) VCF-style: chr11-103173947-G-A.
Other names: c.11242G>A, p.Ala3748Thr (NM_001080463.2); short protein forms A3741T, A3748T.
Identifiers: ClinVar variation 3906703 (VCV003906703.1).